The following is an entry in ClinVar:

ClinVar aggregate classification (germline): Uncertain significance. Review status: criteria provided, multiple submitters, no conflicts (2 of 4 stars). 3 submissions from 3 submitters: Uncertain significance (3). Last evaluated 2025-10-26.

Allele frequency attached by ClinVar (database versions not stated): ExAC 0.00004; gnomAD 0.00004 and 0.00006; gnomAD exomes 0.00006 and 0.00012; TOPMed 0.00007.
gnomAD v4.1: 180 of 1,551,850 alleles (0.012%); highest among the groups gnomAD compares: Non-Finnish European, 0.015%; no homozygotes.

Submissions (3):

Labcorp Genetics (formerly Invitae), Labcorp
Classification: Uncertain significance. Last evaluated: 2025-10-26. Review status: criteria provided, single submitter. Criteria: Invitae Variant Classification Sherloc (09022015). Collection method: clinical testing. Allele origin: germline.
Comment: This sequence change replaces serine, which is neutral and polar, with proline, which is neutral and non-polar, at codon 211 of the DTHD1 protein (p.Ser211Pro). This variant is present in population databases (rs776034617, gnomAD 0.01%). This variant has not been reported in the literature in individuals affected with DTHD1-related conditions. ClinVar contains an entry for this variant (Variation ID: 1052950). An algorithm developed to predict the effect of missense changes on protein structure and function (PolyPhen-2) suggests that this variant is likely to be disruptive. In summary, the available evidence is currently insufficient to determine the role of this variant in disease. Therefore, it has been classified as a Variant of Uncertain Significance.

Ambry Genetics
Classification: Uncertain significance. Last evaluated: 2025-08-08. Review status: criteria provided, single submitter. Criteria: Ambry Variant Classification Scheme 2023. Collection method: clinical testing. Allele origin: germline.

Blueprint Genetics
Classification: Uncertain significance. Last evaluated: 2023-09-19. Review status: criteria provided, single submitter. Criteria: ACMG Guidelines, 2015. Collection method: clinical testing. Allele origin: germline.

NM_001170700.3(DTHD1):c.1501T>C (p.Ser501Pro)

Gene: DTHD1 (death domain containing 1; plus strand). Cytogenetic location: 4p14.
Variant type: single nucleotide variant.
Coding change: c.1501T>C on transcript NM_001170700.3 (MANE Select); coding-DNA position 1501, T replaced by C.
Protein change: p.Ser501Pro; replaces serine 501 with proline.
Molecular consequence: missense variant. On other transcripts: non-coding transcript variant (2).
Genome position (GRCh38, 1-based): chr4:36,294,897, T>C. VCF-style: chr4-36294897-T-C. GRCh37 (hg19) VCF-style: chr4-36296519-T-C.
Other names: c.1126T>C (NM_001170700.1); c.631T>C, p.Ser211Pro (NM_001136536.5); c.568T>C, p.Ser190Pro (NM_001378435.1); short protein forms S190P, S211P, S501P.
Identifiers: ClinVar variation 1052950 (VCV001052950.9), dbSNP rs776034617, ClinGen allele CA2885644.